The following is an entry in ClinVar:

ClinVar aggregate classification (germline): Uncertain significance. Review status: criteria provided, multiple submitters, no conflicts (2 of 4 stars). 2 submissions from 2 submitters: Uncertain significance (2). Last evaluated 2024-10-04.

Conditions:
Gorlin syndrome. Also called: Nevoid Basal Cell Carcinoma Syndrome; Basal cell nevus syndrome. Identifiers: Orphanet 377, MedGen C0004779, MONDO:0007187.
Hereditary cancer-predisposing syndrome. Also called: Hereditary Cancer Syndrome; Neoplastic Syndromes, Hereditary; Hereditary neoplastic syndrome; Tumor predisposition. Identifiers: Orphanet 140162, MedGen C0027672, MeSH D009386, MONDO:0015356.

Allele frequency attached by ClinVar (database versions not stated): gnomAD exomes below 0.00001; TOPMed below 0.00001.
gnomAD v4.1: 2 of 1,614,014 alleles (0.00012%); highest among the groups gnomAD compares: Non-Finnish European, 0.00017%; no homozygotes.

Submissions (2):

Ambry Genetics
Classification: Uncertain significance for Hereditary cancer-predisposing syndrome. Last evaluated: 2024-10-04. Review status: criteria provided, single submitter. Criteria: Ambry Variant Classification Scheme 2023. Collection method: clinical testing. Allele origin: germline.
Comment: The p.S704G variant (also known as c.2110A>G), located in coding exon 14 of the PTCH1 gene, results from an A to G substitution at nucleotide position 2110. The serine at codon 704 is replaced by glycine, an amino acid with similar properties. This amino acid position is well conserved in available vertebrate species. In addition, this alteration is predicted to be tolerated by in silico analysis. Since supporting evidence is limited at this time, the clinical significance of this alteration remains unclear.

Labcorp Genetics (formerly Invitae), Labcorp
Classification: Uncertain significance for Gorlin syndrome. Last evaluated: 2023-05-22. Review status: criteria provided, single submitter. Criteria: Invitae Variant Classification Sherloc (09022015). Collection method: clinical testing. Allele origin: germline.
Comment: In summary, the available evidence is currently insufficient to determine the role of this variant in disease. Therefore, it has been classified as a Variant of Uncertain Significance. Advanced modeling of protein sequence and biophysical properties (such as structural, functional, and spatial information, amino acid conservation, physicochemical variation, residue mobility, and thermodynamic stability) performed at Invitae indicates that this missense variant is not expected to disrupt PTCH1 protein function. ClinVar contains an entry for this variant (Variation ID: 820742). This variant has not been reported in the literature in individuals affected with PTCH1-related conditions. This variant is not present in population databases (gnomAD no frequency). This sequence change replaces serine, which is neutral and polar, with glycine, which is neutral and non-polar, at codon 704 of the PTCH1 protein (p.Ser704Gly).

NM_000264.5(PTCH1):c.2110A>G (p.Ser704Gly)

Genes: PTCH1 (patched 1; minus strand), LOC100507346 (uncharacterized LOC100507346; plus strand). Cytogenetic location: 9q22.32.
Variant type: single nucleotide variant.
Coding change: c.2110A>G on transcript NM_000264.5 (MANE Select); coding-DNA position 2110, A replaced by G.
Protein change: p.Ser704Gly; replaces serine 704 with glycine.
Molecular consequence: missense variant. On other transcripts: non-coding transcript variant (2).
Genome position (GRCh38, 1-based): chr9:95,468,891, T>C on the plus strand (A>G on the coding strand, the complement: PTCH1 is on the minus strand). VCF-style: chr9-95468891-T-C. GRCh37 (hg19) VCF-style: chr9-98231173-T-C.
Other names: c.1912A>G, p.Ser638Gly (NM_001083602.3); c.2107A>G, p.Ser703Gly (NM_001083603.3); c.1657A>G, p.Ser553Gly (NM_001083604.3, NM_001083605.3, NM_001083606.3 and 1 more transcripts); c.1954A>G, p.Ser652Gly (NM_001354918.2); short protein forms S704G, S553G, S703G, S638G, S652G.
Identifiers: ClinVar variation 820742 (VCV000820742.10), dbSNP rs1182895378, ClinGen allele CA374115636.